The following is an entry in ClinVar:

ClinVar aggregate classification (germline): Uncertain significance (1 of 4 stars; one submission).

Submission:

Labcorp Genetics (formerly Invitae), Labcorp
Classification: Uncertain significance. Last evaluated: 2022-04-15. Review status: criteria provided, single submitter. Criteria: Invitae Variant Classification Sherloc (09022015). Collection method: clinical testing. Allele origin: germline.
Comment: In summary, the available evidence is currently insufficient to determine the role of this variant in disease. Therefore, it has been classified as a Variant of Uncertain Significance. Algorithms developed to predict the effect of missense changes on protein structure and function are either unavailable or do not agree on the potential impact of this missense change (SIFT: "Deleterious"; PolyPhen-2: "Possibly Damaging"; Align-GVGD: "Class C0"). This variant has not been reported in the literature in individuals affected with MSH3-related conditions. This variant is not present in population databases (gnomAD no frequency). This sequence change replaces proline, which is neutral and non-polar, with serine, which is neutral and polar, at codon 879 of the MSH3 protein (p.Pro879Ser).

NM_002439.5(MSH3):c.2635C>T (p.Pro879Ser)

Gene: MSH3 (mutS homolog 3; plus strand). Cytogenetic location: 5q14.1.
Variant type: single nucleotide variant.
Coding change: c.2635C>T on transcript NM_002439.5 (MANE Select); coding-DNA position 2635, C replaced by T.
Protein change: p.Pro879Ser; replaces proline 879 with serine.
Molecular consequence: missense variant.
Genome position (GRCh38, 1-based): chr5:80,792,824, C>T. VCF-style: chr5-80792824-C-T. GRCh37 (hg19) VCF-style: chr5-80088643-C-T.
Other names: short protein forms P879S.
Identifiers: ClinVar variation 2151637 (VCV002151637.4), dbSNP rs2546786830, ClinGen allele CA360273027.